The following is an entry in ClinVar:

NM_003151.4(STAT4):c.2040C>A (p.Cys680Ter)

Gene: STAT4 (signal transducer and activator of transcription 4; minus strand). Cytogenetic location: 2q32.2.
Variant type: single nucleotide variant.
Coding change: c.2040C>A on transcript NM_003151.4 (MANE Select); coding-DNA position 2040, C replaced by A.
Protein change: p.Cys680Ter; replaces cysteine 680 with a stop codon.
Molecular consequence: nonsense.
Genome position (GRCh38, 1-based): chr2:191,032,962, G>T on the plus strand (C>A on the coding strand, the complement: STAT4 is on the minus strand). VCF-style: chr2-191032962-G-T. GRCh37 (hg19) VCF-style: chr2-191897688-G-T.
Other names: c.2040C>A, p.Cys680Ter (NM_001243835.2); short protein forms C680*.
Identifiers: ClinVar variation 4803814 (VCV004803814.1).

ClinVar aggregate classification (germline): Uncertain significance (1 of 4 stars; one submission).

gnomAD v4.1: 1 of 1,594,894 alleles (0.000063%); highest among the groups gnomAD compares: Non-Finnish European, 0.000085%; no homozygotes.

Submission:

Labcorp Genetics (formerly Invitae), Labcorp
Classification: Uncertain significance. Last evaluated: 2025-10-03. Review status: criteria provided, single submitter. Criteria: Invitae Variant Classification Sherloc (09022015). Collection method: clinical testing. Allele origin: germline.
Comment: This sequence change creates a premature translational stop signal (p.Cys680*) in the STAT4 gene. It is expected to result in an absent or disrupted protein product. However, the current clinical and genetic evidence is not sufficient to establish whether loss-of-function variants in STAT4 cause disease. This variant is present in population databases (rs368928990, gnomAD 0.0009%). This variant has not been reported in the literature in individuals affected with STAT4-related conditions. In summary, the available evidence is currently insufficient to determine the role of this variant in disease. Therefore, it has been classified as a Variant of Uncertain Significance.